The following is an entry in ClinVar:

NM_005235.3(ERBB4):c.794C>A (p.Thr265Asn)

Gene: ERBB4 (erb-b2 receptor tyrosine kinase 4; minus strand). Cytogenetic location: 2q34.
Variant type: single nucleotide variant.
Coding change: c.794C>A on transcript NM_005235.3 (MANE Select); coding-DNA position 794, C replaced by A.
Protein change: p.Thr265Asn; replaces threonine 265 with asparagine.
Molecular consequence: missense variant.
Genome position (GRCh38, 1-based): chr2:211,722,482, G>T on the plus strand (C>A on the coding strand, the complement: ERBB4 is on the minus strand). VCF-style: chr2-211722482-G-T. GRCh37 (hg19) VCF-style: chr2-212587207-G-T.
Other names: c.794C>A, p.Thr265Asn (NM_001042599.2); short protein forms T265N.
Identifiers: ClinVar variation 2794673 (VCV002794673.3), dbSNP rs2470071267, ClinGen allele CA350444460.
Genomic context (GRCh38, chr2:211,722,482, plus strand): 5'-TATGTGTACTTTGCATTGAAATTGTGCTCCAGTTGAAAGGTGGTTGGATTGTAGACAAAG[G>T]TTTGGGGACACTGAGTAACACATGCTCCACTGTCATTGAAATTCATGCAGGCCTGCAACA-3'
Protein context (NP_005226.1, residues 255-275): SGACVTQCPQ[Thr265Asn]FVYNPTTFQL

ClinVar aggregate classification (germline): Uncertain significance (1 of 4 stars; one submission).

Submission:

Labcorp Genetics (formerly Invitae), Labcorp
Classification: Uncertain significance. Last evaluated: 2022-12-16. Review status: criteria provided, single submitter. Criteria: Invitae Variant Classification Sherloc (09022015). Collection method: clinical testing. Allele origin: germline.
Comment: In summary, the available evidence is currently insufficient to determine the role of this variant in disease. Therefore, it has been classified as a Variant of Uncertain Significance. Advanced modeling of protein sequence and biophysical properties (such as structural, functional, and spatial information, amino acid conservation, physicochemical variation, residue mobility, and thermodynamic stability) performed at Invitae indicates that this missense variant is expected to disrupt ERBB4 protein function. This variant has not been reported in the literature in individuals affected with ERBB4-related conditions. This variant is not present in population databases (gnomAD no frequency). This sequence change replaces threonine, which is neutral and polar, with asparagine, which is neutral and polar, at codon 265 of the ERBB4 protein (p.Thr265Asn).